The following is an entry in ClinVar:

NM_001378452.1(ITPR1):c.4953C>T (p.Asp1651=)

Genes: BRRIAR (BHLHE40 and RIG-I regulating ITPR1 antisense RNA; minus strand), ITPR1 (inositol 1,4,5-trisphosphate receptor type 1; plus strand). Cytogenetic location: 3p26.1.
Variant type: single nucleotide variant.
Coding change: c.4953C>T on transcript NM_001378452.1 (MANE Select); coding-DNA position 4953, C replaced by T.
Protein change: p.Asp1651=; no amino-acid change (aspartic acid 1651 retained).
Molecular consequence: synonymous variant.
Genome position (GRCh38, 1-based): chr3:4,710,435, C>T. VCF-style: chr3-4710435-C-T. GRCh37 (hg19) VCF-style: chr3-4752119-C-T.
Other names: c.4926C>T, p.Asp1642= (NM_001099952.4); c.4908C>T, p.Asp1636= (NM_001168272.2); c.4881C>T, p.Asp1627= (NM_002222.7); c.4908C>T (NM_001168272.1).
Identifiers: ClinVar variation 2185434 (VCV002185434.5), dbSNP rs759265655, ClinGen allele CA2232140.
Genomic context (GRCh38, chr3:4,710,435, plus strand): 5'-GTTATCTGTGCTCGTGGATGTTCTCCACAGACCCGAGCTGCTTTTCCCAGAGAACACAGA[C>T]GCCAGAAGGAAATGTGAAAGTGGCGGTTTCATTTGCAAGTAAGCGGCCTCTCTCTCTGGG-3'
Protein context (NP_001365381.1, residues 1641-1661): RPELLFPENT[Asp1651=]ARRKCESGGF

ClinVar aggregate classification (germline): Benign/Likely benign. Review status: criteria provided, multiple submitters, no conflicts (2 of 4 stars). 2 submissions from 2 submitters: Benign (1); Likely benign (1). Last evaluated 2024-12-17.

Allele frequency attached by ClinVar (database versions not stated): gnomAD 0.00003; TOPMed 0.00003; ExAC 0.00004.
gnomAD v4.1: 66 of 1,554,118 alleles (0.0042%); highest among the groups gnomAD compares: South Asian, 0.027%; no homozygotes.

Submissions (2):

Athena Diagnostics
Classification: Benign. Last evaluated: 2024-12-17. Review status: criteria provided, single submitter. Criteria: Athena Diagnostics Criteria. Collection method: clinical testing. Allele origin: unknown.
Comment: The frequency of this variant in the general population is higher than would generally be expected for pathogenic variants in this gene. Computational tools yielded predictions that this variant is unlikely to have an effect on normal RNA splicing. This nucleotide position exhibits low evolutionary conservation.

Labcorp Genetics (formerly Invitae), Labcorp
Classification: Likely benign. Last evaluated: 2024-10-15. Review status: criteria provided, single submitter. Criteria: Invitae Variant Classification Sherloc (09022015). Collection method: clinical testing. Allele origin: germline.